The following is an entry in ClinVar:

NM_000214.3(JAG1):c.2931G>A (p.Glu977=)

Gene: JAG1 (jagged canonical Notch ligand 1; minus strand). Cytogenetic location: 20p12.2.
Variant type: single nucleotide variant.
Coding change: c.2931G>A on transcript NM_000214.3 (MANE Select); coding-DNA position 2931, G replaced by A.
Protein change: p.Glu977=; no amino-acid change (glutamic acid 977 retained).
Molecular consequence: synonymous variant.
Genome position (GRCh38, 1-based): chr20:10,641,230, C>T on the plus strand (G>A on the coding strand, the complement: JAG1 is on the minus strand). VCF-style: chr20-10641230-C-T. GRCh37 (hg19) VCF-style: chr20-10621878-C-T.
Other names: c.2931G>A (NM_000214.2).
Identifiers: ClinVar variation 1090685 (VCV001090685.11), dbSNP rs1379142756, ClinGen allele CA509666723.
Genomic context (GRCh38, chr20:10,641,230, plus strand): 5'-TGAATATTCAGCGGAAACATTCTTCAAAATATTCAAATTCCTCAATTCACTGCAAATGTG[C>T]TCCGTAGTAAGACCCTAAAACGATTTTTAAAAACCCACACACGTGTAAGATTGAGAGGAA-3'
Protein context (NP_000205.1, residues 967-987): KEMMSPGLTT[Glu977=]HICSELRNLN

ClinVar aggregate classification (germline): Likely benign. Review status: criteria provided, multiple submitters, no conflicts (2 of 4 stars). 3 submissions from 3 submitters: Likely benign (3). Last evaluated 2026-09-23.

Conditions:
Alagille syndrome due to a JAG1 point mutation. Also called: JAG1-Related Alagille Syndrome; HEPATIC DUCTULAR HYPOPLASIA, SYNDROMATIC; Alagille Syndrome 1. Identifiers: Orphanet 261619, Orphanet 52, MedGen C1956125, MONDO:0016862, OMIM 118450.
JAG1-related disorder. Also called: JAG1-related condition; JAG1-related disorders.

Allele frequency attached by ClinVar (database versions not stated): gnomAD exomes below 0.00001; gnomAD 0.00001; TOPMed 0.00001.
gnomAD v4.1: 3 of 1,613,814 alleles (0.00019%); highest among the groups gnomAD compares: Non-Finnish European, 0.00017%; no homozygotes.

Submissions (3):

PreventionGenetics, part of Exact Sciences
Classification: Likely benign for JAG1-related condition. Last evaluated: 2026-09-23. Review status: criteria provided, single submitter. Criteria: ACMG Guidelines, 2015. Collection method: clinical testing. Allele origin: germline.
Comment: This variant is classified as likely benign based on ACMG/AMP sequence variant interpretation guidelines (Richards et al. 2015 PMID: 25741868, with internal and published modifications).

Labcorp Genetics (formerly Invitae), Labcorp
Classification: Likely benign for Alagille syndrome due to a JAG1 point mutation. Last evaluated: 2024-10-08. Review status: criteria provided, single submitter. Criteria: Invitae Variant Classification Sherloc (09022015). Collection method: clinical testing. Allele origin: germline.

Blueprint Genetics
Classification: Likely benign. Last evaluated: 2024-07-02. Review status: criteria provided, single submitter. Criteria: ACMG Guidelines, 2015. Collection method: clinical testing. Allele origin: germline.